The following is an entry in ClinVar:

ClinVar aggregate classification (germline): Uncertain significance. Review status: criteria provided, multiple submitters, no conflicts (2 of 4 stars). 2 submissions from 2 submitters: Uncertain significance (2). Last evaluated 2024-05-07.

Conditions:
Hermansky-Pudlak syndrome 1 (HPS1). Also called: DELTA STORAGE POOL DISEASE. Identifiers: Orphanet 231500, Orphanet 79430, MedGen C2931875, MONDO:0008748, OMIM 203300.

Allele frequency attached by ClinVar (database versions not stated): TOPMed below 0.00001.

Submissions (2):

Fulgent Genetics
Classification: Uncertain significance for Hermansky-Pudlak syndrome 1. Last evaluated: 2024-05-07. Review status: criteria provided, single submitter. Criteria: ACMG Guidelines, 2015. Collection method: clinical testing. Allele origin: germline.

Labcorp Genetics (formerly Invitae), Labcorp
Classification: Uncertain significance. Last evaluated: 2022-05-25. Review status: criteria provided, single submitter. Criteria: Invitae Variant Classification Sherloc (09022015). Collection method: clinical testing. Allele origin: germline.
Comment: This sequence change replaces alanine, which is neutral and non-polar, with valine, which is neutral and non-polar, at codon 287 of the HPS1 protein (p.Ala287Val). This variant is not present in population databases (gnomAD no frequency). This variant has not been reported in the literature in individuals affected with HPS1-related conditions. Algorithms developed to predict the effect of missense changes on protein structure and function output the following: SIFT: "Tolerated"; PolyPhen-2: "Benign"; Align-GVGD: "Class C0". The valine amino acid residue is found in multiple mammalian species, which suggests that this missense change does not adversely affect protein function. In summary, the available evidence is currently insufficient to determine the role of this variant in disease. Therefore, it has been classified as a Variant of Uncertain Significance.

NM_000195.5(HPS1):c.860C>T (p.Ala287Val)

Gene: HPS1 (HPS1 biogenesis of lysosomal organelles complex 3 subunit 1; minus strand). Cytogenetic location: 10q24.2.
Variant type: single nucleotide variant.
Coding change: c.860C>T on transcript NM_000195.5 (MANE Select); coding-DNA position 860, C replaced by T.
Protein change: p.Ala287Val; replaces alanine 287 with valine.
Molecular consequence: missense variant. On other transcripts: 5 prime UTR variant (1), nonsense (1), intron variant (8).
Genome position (GRCh38, 1-based): chr10:98,429,798, G>A on the plus strand (C>T on the coding strand, the complement: HPS1 is on the minus strand). VCF-style: chr10-98429798-G-A. GRCh37 (hg19) VCF-style: chr10-100189555-G-A.
Other names: c.860C>T, p.Ala287Val (NM_001322476.2, NM_001322477.2, NM_182639.4); c.599C>T, p.Ala200Val (NM_001322480.2, NM_001322481.2); c.491C>T, p.Ala164Val (NM_001322483.2, NM_001322484.2); c.-113C>T (NM_001322487.2); c.742C>T, p.Gln248Ter (NM_001322490.2); c.769-156C>T (NM_001322478.2, NM_001322479.2, NM_001322491.2); c.400-156C>T (NM_001322485.2); c.508-156C>T (NM_001322482.2); and 2 more; short protein forms A287V, Q248*, A164V, A200V.
Identifiers: ClinVar variation 1519698 (VCV001519698.6), dbSNP rs1846143474, ClinGen allele CA378051401.
Genomic context (GRCh38, chr10:98,429,798, plus strand): 5'-TGCAGAGGCCGATCCCCTCCTGCCCCTGACTCCACGAAGTGCACAGCACACACCGTCTCT[G>A]CAGAGCTCCCCCCAGTTGGGCCCGTGGAGTGAGGGCTCCAGGCCTGCTGCACGGGGATGT-3'
Protein context (NP_000186.2, residues 277-297): HSTGPTGGSS[Ala287Val]ETETDSFSLP